The following is an entry in ClinVar:

ClinVar aggregate classification (germline): Uncertain significance (1 of 4 stars; one submission).

Conditions:
Inborn genetic diseases. Identifiers: MedGen C0950123, MeSH D030342.

gnomAD v4.1: 1 of 1,612,244 alleles (0.000062%); highest among the groups gnomAD compares: Non-Finnish European, 0.000085%; no homozygotes.

Submission:

Ambry Genetics
Classification: Uncertain significance for Inborn genetic diseases. Last evaluated: 2026-05-11. Review status: criteria provided, single submitter. Criteria: Ambry Variant Classification Scheme 2023. Collection method: clinical testing. Allele origin: germline.
Comment: The c.7277+4A>G intronic alteration consists of a A to G substitution nucleotides after coding exon 48 in the TRRAP gene. Based on data from gnomAD, the G allele has an overall frequency of 0.001% (2/248696) total alleles studied. The highest observed frequency was 0.002% (2/112874) of European (non-Finnish) alleles. Based on insufficient or conflicting evidence, the clinical significance of this alteration remains unclear.

NM_001375524.1(TRRAP):c.7298+4A>G

Gene: TRRAP (transformation/transcription domain associated protein; plus strand). Cytogenetic location: 7q22.1.
Variant type: single nucleotide variant.
Coding change: c.7298+4A>G on transcript NM_001375524.1 (MANE Select); 4 bases into the intron after coding-DNA position 7298, A replaced by G.
Molecular consequence: intron variant.
Genome position (GRCh38, 1-based): chr7:98,967,166, A>G. VCF-style: chr7-98967166-A-G. GRCh37 (hg19) VCF-style: chr7-98564789-A-G.
Other names: c.7277+4A>G (NM_001244580.2); c.7223+4A>G (NM_003496.4).
Identifiers: ClinVar variation 4866000 (VCV004866000.1).